The following is an entry in ClinVar:

NM_024675.4(PALB2):c.560C>T (p.Pro187Leu)

Gene: PALB2 (partner and localizer of BRCA2; minus strand). Cytogenetic location: 16p12.2.
Variant type: single nucleotide variant.
Coding change: c.560C>T on transcript NM_024675.4 (MANE Select); coding-DNA position 560, C replaced by T.
Protein change: p.Pro187Leu; replaces proline 187 with leucine.
Molecular consequence: missense variant.
Genome position (GRCh38, 1-based): chr16:23,635,986, G>A on the plus strand (C>T on the coding strand, the complement: PALB2 is on the minus strand). VCF-style: chr16-23635986-G-A. GRCh37 (hg19) VCF-style: chr16-23647307-G-A.
Other names: short protein forms P187L.
Identifiers: ClinVar variation 142699 (VCV000142699.4), dbSNP rs371582757, ClinGen allele CA169172.

ClinVar aggregate classification (germline): Uncertain significance (1 of 4 stars; one submission).

Conditions:
Hereditary cancer-predisposing syndrome. Also called: Hereditary Cancer Syndrome; Neoplastic Syndromes, Hereditary; Hereditary neoplastic syndrome; Tumor predisposition. Identifiers: Orphanet 140162, MedGen C0027672, MeSH D009386, MONDO:0015356.

Submission:

Ambry Genetics
Classification: Uncertain significance for Hereditary cancer-predisposing syndrome. Last evaluated: 2024-08-10. Review status: criteria provided, single submitter. Criteria: Ambry Variant Classification Scheme 2023. Collection method: clinical testing. Allele origin: germline.
Comment: The p.P187L variant (also known as c.560C>T), located in coding exon 4 of the PALB2 gene, results from a C to T substitution at nucleotide position 560. The proline at codon 187 is replaced by leucine, an amino acid with similar properties. This amino acid position is well conserved in available vertebrate species. In addition, this alteration is predicted to be tolerated by in silico analysis. Based on the available evidence, the clinical significance of this variant remains unclear.